The following is an entry in ClinVar:

NM_002292.4(LAMB2):c.4723C>T (p.Arg1575Cys)

Gene: LAMB2 (laminin subunit beta 2; minus strand). Cytogenetic location: 3p21.31.
Variant type: single nucleotide variant.
Coding change: c.4723C>T on transcript NM_002292.4 (MANE Select); coding-DNA position 4723, C replaced by T.
Protein change: p.Arg1575Cys; replaces arginine 1575 with cysteine.
Molecular consequence: missense variant.
Genome position (GRCh38, 1-based): chr3:49,122,221, G>A on the plus strand (C>T on the coding strand, the complement: LAMB2 is on the minus strand). VCF-style: chr3-49122221-G-A. GRCh37 (hg19) VCF-style: chr3-49159654-G-A.
Other names: c.4723C>T (NM_002292.3); short protein forms R1575C.
Identifiers: ClinVar variation 1413763 (VCV001413763.4), dbSNP rs754337557, ClinGen allele CA2393725.

ClinVar aggregate classification (germline): Uncertain significance. Review status: criteria provided, multiple submitters, no conflicts (2 of 4 stars). 2 submissions from 2 submitters: Uncertain significance (2). Last evaluated 2022-08-02.

Conditions:
Inborn genetic diseases. Identifiers: MedGen C0950123, MeSH D030342.
LAMB2-related infantile-onset nephrotic syndrome. Also called: NEPHROTIC SYNDROME, TYPE 5, WITHOUT OCULAR ABNORMALITIES; NEPHROTIC SYNDROME, TYPE 5, WITH OCULAR ABNORMALITIES; Nephrotic Syndrome, type 5. Identifiers: Orphanet 306507, MedGen C3280113, MONDO:0013621, OMIM 614199.
Pierson syndrome. Also called: MICROCORIA-CONGENITAL NEPHROTIC SYNDROME. Identifiers: Orphanet 2670, MedGen C1836876, MONDO:0012184, OMIM 609049.

Allele frequency attached by ClinVar (database versions not stated): gnomAD 0.00001; TOPMed 0.00001; ExAC 0.00002; gnomAD exomes 0.00003.

Submissions (2):

Labcorp Genetics (formerly Invitae), Labcorp
Classification: Uncertain significance for LAMB2-related infantile-onset nephrotic syndrome; Pierson syndrome. Last evaluated: 2022-08-02. Review status: criteria provided, single submitter. Criteria: Invitae Variant Classification Sherloc (09022015). Collection method: clinical testing. Allele origin: germline.
Comment: This sequence change replaces arginine, which is basic and polar, with cysteine, which is neutral and slightly polar, at codon 1575 of the LAMB2 protein (p.Arg1575Cys). This variant is present in population databases (rs754337557, gnomAD 0.02%). This variant has not been reported in the literature in individuals affected with LAMB2-related conditions. ClinVar contains an entry for this variant (Variation ID: 1413763). Algorithms developed to predict the effect of missense changes on protein structure and function (SIFT, PolyPhen-2, Align-GVGD) all suggest that this variant is likely to be disruptive. In summary, the available evidence is currently insufficient to determine the role of this variant in disease. Therefore, it has been classified as a Variant of Uncertain Significance.

Ambry Genetics
Classification: Uncertain significance for Inborn genetic diseases. Last evaluated: 2022-01-26. Review status: criteria provided, single submitter. Criteria: Ambry Variant Classification Scheme 2023. Collection method: clinical testing. Allele origin: germline.